The following is an entry in ClinVar:

ClinVar aggregate classification (germline): Uncertain significance (1 of 4 stars; one submission).

gnomAD v4.1: 3 of 1,582,494 alleles (0.00019%); highest among the groups gnomAD compares: African/African-American, 0.0027%; no homozygotes.

Submission:

GeneDx
Classification: Uncertain significance. Last evaluated: 2024-05-14. Review status: criteria provided, single submitter. Criteria: GeneDx Variant Classification Process June 2021. Collection method: clinical testing. Allele origin: germline. Affected: yes.
Comment: In silico analysis supports that this missense variant has a deleterious effect on protein structure/function; Has not been previously published as pathogenic or benign to our knowledge

NM_030962.4(SBF2):c.4580T>G (p.Phe1527Cys)

Genes: SBF2 (SET binding factor 2; minus strand), SBF2-AS1 (SBF2 antisense RNA 1; plus strand), LOC105369149 (uncharacterized LOC105369149; plus strand). Cytogenetic location: 11p15.4.
Variant type: single nucleotide variant.
Coding change: c.4580T>G on transcript NM_030962.4 (MANE Select); coding-DNA position 4580, T replaced by G.
Protein change: p.Phe1527Cys; replaces phenylalanine 1527 with cysteine.
Molecular consequence: missense variant.
Genome position (GRCh38, 1-based): chr11:9,790,674, A>C on the plus strand (T>G on the coding strand, the complement: SBF2 is on the minus strand). VCF-style: chr11-9790674-A-C. GRCh37 (hg19) VCF-style: chr11-9812221-A-C.
Other names: c.4676T>G, p.Phe1559Cys (NM_001386339.1); c.4451T>G, p.Phe1484Cys (NM_001386342.1); c.4616T>G, p.Phe1539Cys (NM_001424318.1, NM_001425070.1); c.4475T>G, p.Phe1492Cys (NM_001425069.1); short protein forms F1484C, F1492C, F1527C, F1539C, F1559C.
Identifiers: ClinVar variation 3378263 (VCV003378263.1).
Genomic context (GRCh38, chr11:9,790,674, plus strand): 5'-CTGTCAATACATTCCCAAATACAGACTCCTTTTTTGGCATGCTTTTCTCCTTTATCATCA[A>C]ATAAAGTTCCTGTAGATTAAAAAAATCCAACAAAACAAAATTAAATAAATTCACACTTTG-3'
Protein context (NP_112224.1, residues 1517-1537): DYERLEHGTL[Phe1527Cys]DDKGEKHAKK